The following is an entry in ClinVar:

NM_013280.5(FLRT1):c.951G>A (p.Leu317=)

Genes: FLRT1 (fibronectin leucine rich transmembrane protein 1; plus strand), MACROD1 (mono-ADP ribosylhydrolase 1; minus strand). Cytogenetic location: 11q13.1.
Variant type: single nucleotide variant.
Coding change: c.951G>A on transcript NM_013280.5 (MANE Select); coding-DNA position 951, G replaced by A.
Protein change: p.Leu317=; no amino-acid change (leucine 317 retained).
Molecular consequence: synonymous variant. On other transcripts: intron variant (2).
Genome position (GRCh38, 1-based): chr11:64,117,218, G>A. VCF-style: chr11-64117218-G-A. GRCh37 (hg19) VCF-style: chr11-63884690-G-A.
Other names: c.951G>A, p.Leu317= (NM_001384466.1); c.867G>A, p.Leu289= (NM_001423967.1); c.517+34021C>T (NM_001411019.1, NM_014067.4).
Identifiers: ClinVar variation 3047412 (VCV003047412.2), dbSNP rs140370010, ClinGen allele CA6067583.

ClinVar aggregate classification (germline): Likely benign (0 of 4 stars; one submission).

Conditions:
FLRT1-related disorder. Also called: FLRT1-related condition.

Allele frequency attached by ClinVar (database versions not stated): gnomAD 0.00014; gnomAD exomes 0.00014; ExAC 0.00015; TOPMed 0.00017; ESP Exome Variant Server 0.00023.
gnomAD v4.1: 221 of 1,614,038 alleles (0.014%); highest among the groups gnomAD compares: Non-Finnish European, 0.017%; 2 homozygotes.

Submission:

PreventionGenetics, part of Exact Sciences
Classification: Likely benign for FLRT1-related condition. Last evaluated: 2023-08-22. Review status: no assertion criteria provided. Collection method: clinical testing. Allele origin: germline.
Comment: This variant is classified as likely benign based on ACMG/AMP sequence variant interpretation guidelines (Richards et al. 2015 PMID: 25741868, with internal and published modifications).